The following is an entry in ClinVar:

NM_000552.5(VWF):c.2610C>T (p.Ile870=)

Gene: VWF (von Willebrand factor; minus strand). Cytogenetic location: 12p13.31.
Variant type: single nucleotide variant.
Coding change: c.2610C>T on transcript NM_000552.5 (MANE Select); coding-DNA position 2610, C replaced by T.
Protein change: p.Ile870=; no amino-acid change (isoleucine 870 retained).
Molecular consequence: synonymous variant.
Genome position (GRCh38, 1-based): chr12:6,034,763, G>A on the plus strand (C>T on the coding strand, the complement: VWF is on the minus strand). VCF-style: chr12-6034763-G-A. GRCh37 (hg19) VCF-style: chr12-6143929-G-A.
Identifiers: ClinVar variation 2682101 (VCV002682101.5), dbSNP rs141982646, ClinGen allele CA6403008.

ClinVar aggregate classification (germline): Likely benign. Review status: criteria provided, multiple submitters, no conflicts (2 of 4 stars). 3 submissions from 3 submitters: Likely benign (2). 1 of the submissions does not count toward it. Last evaluated 2025-01-22.

Conditions:
VWF-related disorder. Also called: VWF-related disorders; VWF-related condition.

Allele frequency attached by ClinVar (database versions not stated): gnomAD exomes 0.00012; ExAC 0.00026; 1000 Genomes Project 0.00080; 1000 Genomes Project 30x 0.00094; gnomAD 0.00098; TOPMed 0.00109; ESP Exome Variant Server 0.00123.
gnomAD v4.1: 353 of 1,614,200 alleles (0.022%); highest among the groups gnomAD compares: African/African-American, 0.31%; 2 homozygotes.

Submissions (3):

Quest Diagnostics Nichols Institute San Juan Capistrano
Classification: Likely benign. Last evaluated: 2025-01-22. Review status: criteria provided, single submitter. Criteria: Quest Diagnostics criteria. Collection method: clinical testing. Allele origin: unknown.

ARUP Laboratories, Molecular Genetics and Genomics, ARUP Laboratories
Classification: Likely benign. Last evaluated: 2024-04-25. Review status: criteria provided, single submitter. Criteria: ARUP Molecular Germline Variant Investigation Process 2024. Collection method: clinical testing. Allele origin: germline.

PreventionGenetics, part of Exact Sciences
Classification: Likely benign for VWF-related condition. Last evaluated: 2019-08-12. Review status: no assertion criteria provided. Collection method: clinical testing. Allele origin: germline. Not counted in ClinVar's aggregate classification.
Comment: This variant is classified as likely benign based on ACMG/AMP sequence variant interpretation guidelines (Richards et al. 2015 PMID: 25741868, with internal and published modifications).